The following is an entry in ClinVar:

ClinVar aggregate classification (germline): Uncertain significance (1 of 4 stars; one submission).

Submission:

Labcorp Genetics (formerly Invitae), Labcorp
Classification: Uncertain significance. Last evaluated: 2022-07-06. Review status: criteria provided, single submitter. Criteria: Invitae Variant Classification Sherloc (09022015). Collection method: clinical testing. Allele origin: germline.
Comment: This sequence change replaces glycine, which is neutral and non-polar, with glutamic acid, which is acidic and polar, at codon 389 of the CNGB3 protein (p.Gly389Glu). This variant is not present in population databases (gnomAD no frequency). This variant has not been reported in the literature in individuals affected with CNGB3-related conditions. Advanced modeling of protein sequence and biophysical properties (such as structural, functional, and spatial information, amino acid conservation, physicochemical variation, residue mobility, and thermodynamic stability) performed at Invitae indicates that this missense variant is expected to disrupt CNGB3 protein function. In summary, the available evidence is currently insufficient to determine the role of this variant in disease. Therefore, it has been classified as a Variant of Uncertain Significance.

NM_019098.5(CNGB3):c.1166G>A (p.Gly389Glu)

Gene: CNGB3 (cyclic nucleotide gated channel subunit beta 3; minus strand). Cytogenetic location: 8q21.3.
Variant type: single nucleotide variant.
Coding change: c.1166G>A on transcript NM_019098.5 (MANE Select); coding-DNA position 1166, G replaced by A.
Protein change: p.Gly389Glu; replaces glycine 389 with glutamic acid.
Molecular consequence: missense variant.
Genome position (GRCh38, 1-based): chr8:86,643,763, C>T on the plus strand (G>A on the coding strand, the complement: CNGB3 is on the minus strand). VCF-style: chr8-86643763-C-T. GRCh37 (hg19) VCF-style: chr8-87655991-C-T.
Other names: short protein forms G389E.
Identifiers: ClinVar variation 2174617 (VCV002174617.1), dbSNP rs1206997596, ClinGen allele CA371446719.